The following is an entry in ClinVar:

NM_152594.3(SPRED1):c.564_565delinsAA (p.Met188_Gln189delinsIleLys)

Gene: SPRED1 (sprouty related EVH1 domain containing 1; plus strand). Cytogenetic location: 15q14.
Variant type: Indel.
Coding change: c.564_565delinsAA on transcript NM_152594.3 (MANE Select); coding-DNA positions 564 to 565, GC replaced by AA.
Protein change: p.Met188_Gln189delinsIleLys.
Molecular consequence: missense variant.
Genome position (GRCh38, 1-based): chr15:38,339,877-38,339,878, GC replaced by AA. VCF-style: chr15-38339877-GC-AA. GRCh37 (hg19) VCF-style: chr15-38632078-GC-AA.
Identifiers: ClinVar variation 2178809 (VCV002178809.4), dbSNP rs2542724014, ClinGen allele CA2580089397.

ClinVar aggregate classification (germline): Uncertain significance (1 of 4 stars; one submission).

Conditions:
Legius syndrome. Identifiers: Orphanet 137605, MedGen C1969623, MONDO:0012669, OMIM 611431. Disease mechanism: loss of function.

Submission:

Labcorp Genetics (formerly Invitae), Labcorp
Classification: Uncertain significance for Legius syndrome. Last evaluated: 2025-04-07. Review status: criteria provided, single submitter. Criteria: Invitae Variant Classification Sherloc (09022015). Collection method: clinical testing. Allele origin: germline.
Comment: This variant, c.564_565delinsAA, is a complex sequence change that results in the deletion of 2 and insertion of 2 amino acid(s) in the SPRED1 protein (p.Met188_Gln189delinsIleLys). Information on the frequency of this variant in the gnomAD database is not available, as this variant may be reported differently in the database. This variant has not been reported in the literature in individuals affected with SPRED1-related conditions. ClinVar contains an entry for this variant (Variation ID: 2178809). Experimental studies and prediction algorithms are not available or were not evaluated, and the functional significance of this variant is currently unknown. In summary, the available evidence is currently insufficient to determine the role of this variant in disease. Therefore, it has been classified as a Variant of Uncertain Significance.